The following is an entry in ClinVar:

NM_001276345.2(TNNT2):c.797del (p.Gln266fs)

Gene: TNNT2 (troponin T2, cardiac type; minus strand). Cytogenetic location: 1q32.1.
Variant type: Deletion.
Coding change: c.797del on transcript NM_001276345.2 (MANE Select); coding-DNA position 797, one base deleted (A; older notation c.797delA).
Protein change: p.Gln266fs; shifts the reading frame from glutamine 266.
Molecular consequence: frameshift variant.
Genome position (GRCh38, 1-based): chr1:201,361,292, T deleted on the plus strand (A on the coding strand, the reverse complement: TNNT2 is on the minus strand). VCF-style (leftmost placement, unchanged base first): chr1-201361291-CT-C. GRCh37 (hg19) VCF-style: chr1-201330419-CT-C.
Other names: c.788del, p.Gln263fs (NM_000364.4, NM_001406723.1); c.767del, p.Gln256fs (NM_001001430.3, NM_001276347.2, NM_001406724.1); c.758del, p.Gln253fs (NM_001001431.3, NM_001406726.1, NM_001406727.1); c.749del, p.Gln250fs (NM_001001432.3); c.668del, p.Gln223fs (NM_001276346.2); c.764del, p.Gln255fs (NM_001406725.1); c.752del, p.Gln251fs (NM_001406728.1); short protein forms Q223fs, Q250fs, Q251fs, Q253fs, Q255fs, Q256fs, Q263fs, Q266fs.
Identifiers: ClinVar variation 2498442 (VCV002498442.28), dbSNP rs2526923037, ClinGen allele CA913189065.

ClinVar aggregate classification (germline): Uncertain significance (1 of 4 stars; one submission).

Submission:

CeGaT Center for Human Genetics Tuebingen
Classification: Uncertain significance. Last evaluated: 2023-02-01. Review status: criteria provided, single submitter. Criteria: CeGaT Center For Human Genetics Tuebingen Variant Classification Criteria Version 2. Collection method: clinical testing. Allele origin: germline. Affected: yes. Observed: 1 variant allele.
Comment: TNNT2: PM2, PVS1:Moderate